The following is an entry in ClinVar:

NM_014141.6(CNTNAP2):c.1039A>G (p.Ile347Val)

Gene: CNTNAP2 (contactin associated protein 2; plus strand). Cytogenetic location: 7q35.
Variant type: single nucleotide variant.
Coding change: c.1039A>G on transcript NM_014141.6 (MANE Select); coding-DNA position 1039, A replaced by G.
Protein change: p.Ile347Val; replaces isoleucine 347 with valine.
Molecular consequence: missense variant.
Genome position (GRCh38, 1-based): chr7:147,128,792, A>G. VCF-style: chr7-147128792-A-G. GRCh37 (hg19) VCF-style: chr7-146825884-A-G.
Other names: short protein forms I347V.
Identifiers: ClinVar variation 640894 (VCV000640894.10), dbSNP rs768298723, ClinGen allele CA4545953.

ClinVar aggregate classification (germline): Uncertain significance. Review status: criteria provided, multiple submitters, no conflicts (2 of 4 stars). 2 submissions from 2 submitters: Uncertain significance (2). Last evaluated 2022-06-29.

Conditions:
Inborn genetic diseases. Identifiers: MedGen C0950123, MeSH D030342.
Cortical dysplasia-focal epilepsy syndrome (PTHSL1). Also called: Pitt-Hopkins-like syndrome 1. Identifiers: Orphanet 163681, Orphanet 221150, MedGen C2750246, MONDO:0012400, OMIM 610042.

Allele frequency attached by ClinVar (database versions not stated): gnomAD exomes 0.00001 and 0.00003; ExAC 0.00002.
gnomAD v4.1: 8 of 1,614,106 alleles (0.0005%); highest among the groups gnomAD compares: East Asian, 0.018%; no homozygotes.

Submissions (2):

Labcorp Genetics (formerly Invitae), Labcorp
Classification: Uncertain significance for Cortical dysplasia-focal epilepsy syndrome. Last evaluated: 2022-06-29. Review status: criteria provided, single submitter. Criteria: Invitae Variant Classification Sherloc (09022015). Collection method: clinical testing. Allele origin: germline.
Comment: This sequence change replaces isoleucine, which is neutral and non-polar, with valine, which is neutral and non-polar, at codon 347 of the CNTNAP2 protein (p.Ile347Val). This variant is present in population databases (rs768298723, gnomAD 0.04%). This variant has not been reported in the literature in individuals affected with CNTNAP2-related conditions. ClinVar contains an entry for this variant (Variation ID: 640894). Algorithms developed to predict the effect of missense changes on protein structure and function are either unavailable or do not agree on the potential impact of this missense change (SIFT: "Deleterious"; PolyPhen-2: "Benign"; Align-GVGD: "Class C0"). In summary, the available evidence is currently insufficient to determine the role of this variant in disease. Therefore, it has been classified as a Variant of Uncertain Significance.

Ambry Genetics
Classification: Uncertain significance for Inborn genetic diseases. Last evaluated: 2018-06-12. Review status: criteria provided, single submitter. Criteria: Ambry Variant Classification Scheme 2023. Collection method: clinical testing. Allele origin: germline.
Comment: The p.I347V variant (also known as c.1039A>G), located in coding exon 7 of the CNTNAP2 gene, results from an A to G substitution at nucleotide position 1039. The isoleucine at codon 347 is replaced by valine, an amino acid with highly similar properties. This amino acid position is highly conserved in available vertebrate species. In addition, this alteration is predicted to be tolerated by in silico analysis. Since supporting evidence is limited at this time, the clinical significance of this alteration remains unclear.